The following is an entry in ClinVar:

ClinVar aggregate classification (germline): Uncertain significance. Review status: criteria provided, multiple submitters, no conflicts (2 of 4 stars). 5 submissions from 5 submitters: Uncertain significance (5). Last evaluated 2026-01-26.

Conditions:
Aortic aneurysm, familial thoracic 7 (AAT7). Also called: AORTIC DISSECTION, FAMILIAL, WITH OR WITHOUT AORTIC ANEURYSM. Identifiers: MedGen C3151077, MONDO:0013418, OMIM 613780.
MYLK-related disorder. Also called: MYLK-related condition.
Familial thoracic aortic aneurysm and aortic dissection (TAAD). Also called: Thoracic aortic aneurysms and dissections. Identifiers: Orphanet 91387, MedGen C4707243, MONDO:0019625.

Allele frequency attached by ClinVar (database versions not stated): gnomAD 0.00001 and 0.00002; TOPMed 0.00001; ExAC 0.00002; gnomAD exomes 0.00002 and 0.00003; 1000 Genomes Project 30x 0.00016; 1000 Genomes Project 0.00020.
gnomAD v4.1: 38 of 1,613,670 alleles (0.0024%); highest among the groups gnomAD compares: Admixed American, 0.017%; no homozygotes.

Submissions (5):

Labcorp Genetics (formerly Invitae), Labcorp
Classification: Uncertain significance for Aortic aneurysm, familial thoracic 7. Last evaluated: 2026-01-26. Review status: criteria provided, single submitter. Criteria: Invitae Variant Classification Sherloc (09022015). Collection method: clinical testing. Allele origin: germline.
Comment: This sequence change replaces glycine, which is neutral and non-polar, with arginine, which is basic and polar, at codon 439 of the MYLK protein (p.Gly439Arg). This variant is present in population databases (rs190877071, gnomAD 0.01%). This variant has not been reported in the literature in individuals affected with MYLK-related conditions. ClinVar contains an entry for this variant (Variation ID: 918164). Invitae Evidence Modeling of protein sequence and biophysical properties (such as structural, functional, and spatial information, amino acid conservation, physicochemical variation, residue mobility, and thermodynamic stability) indicates that this missense variant is not expected to disrupt MYLK protein function with a negative predictive value of 95%. In summary, the available evidence is currently insufficient to determine the role of this variant in disease. Therefore, it has been classified as a Variant of Uncertain Significance.

PreventionGenetics, part of Exact Sciences
Classification: Uncertain significance for MYLK-related condition. Last evaluated: 2025-05-22. Review status: criteria provided, single submitter. Criteria: ACMG Guidelines, 2015. Collection method: clinical testing. Allele origin: germline.
Comment: The MYLK c.1315G>A variant is predicted to result in the amino acid substitution p.Gly439Arg. To our knowledge, this variant has not been reported in the literature. This variant is reported in 0.015% of alleles in individuals of Latino descent in gnomAD. At this time, the clinical significance of this variant is uncertain due to the absence of conclusive functional and genetic evidence.

Ambry Genetics
Classification: Uncertain significance for Familial thoracic aortic aneurysm and aortic dissection. Last evaluated: 2024-06-15. Review status: criteria provided, single submitter. Criteria: Ambry Variant Classification Scheme 2023. Collection method: clinical testing. Allele origin: germline.
Comment: The p.G439R variant (also known as c.1315G>A), located in coding exon 8 of the MYLK gene, results from a G to A substitution at nucleotide position 1315. The glycine at codon 439 is replaced by arginine, an amino acid with dissimilar properties. This amino acid position is conserved. In addition, this alteration is predicted to be deleterious by in silico analysis. Based on the available evidence, the clinical significance of this variant remains unclear.

GeneDx
Classification: Uncertain significance. Last evaluated: 2024-04-15. Review status: criteria provided, single submitter. Criteria: GeneDx Variant Classification Process June 2021. Collection method: clinical testing. Allele origin: germline. Affected: yes.
Comment: Identified in a cohort of patients with acute aortic syndrome (AAS) in published literature (PMID: 36307044); In silico analysis supports that this missense variant has a deleterious effect on protein structure/function; This variant is associated with the following publications: (PMID: 36307044)

Women's Health and Genetics/Laboratory Corporation of America, LabCorp
Classification: Uncertain significance. Last evaluated: 2020-03-23. Review status: criteria provided, single submitter. Criteria: LabCorp Variant Classification Summary - May 2015. Collection method: clinical testing. Allele origin: germline.
Comment: Variant summary: MYLK c.1315G>A (p.Gly439Arg) results in a non-conservative amino acid change located in the Immunoglobulin subtype 2 domain (IPR003598) of the encoded protein sequence. Five of five in-silico tools predict a damaging effect of the variant on protein function. The variant allele was found at a frequency of 2.8e-05 in 248090 control chromosomes (gnomAD). The available data on variant occurrences in the general population are insufficient to allow any conclusion about variant significance. To our knowledge, no occurrence of c.1315G>A in individuals affected with Aortopathy and no experimental evidence demonstrating its impact on protein function have been reported. No clinical diagnostic laboratories have submitted clinical-significance assessments for this variant to ClinVar after 2014. Based on the evidence outlined above, the variant was classified as uncertain significance.

NM_053025.4(MYLK):c.1315G>A (p.Gly439Arg)

Gene: MYLK (myosin light chain kinase; minus strand). Cytogenetic location: 3q21.1.
Variant type: single nucleotide variant.
Coding change: c.1315G>A on transcript NM_053025.4 (MANE Select); coding-DNA position 1315, G replaced by A.
Protein change: p.Gly439Arg; replaces glycine 439 with arginine.
Molecular consequence: missense variant. On other transcripts: intron variant (2).
Genome position (GRCh38, 1-based): chr3:123,733,097, C>T on the plus strand (G>A on the coding strand, the complement: MYLK is on the minus strand). VCF-style: chr3-123733097-C-T. GRCh37 (hg19) VCF-style: chr3-123451944-C-T.
Other names: c.787G>A, p.Gly263Arg (NM_001321309.2); c.1315G>A, p.Gly439Arg (NM_053027.4); c.1309+590G>A (NM_053028.4, NM_053026.4); short protein forms G263R, G439R.
Identifiers: ClinVar variation 918164 (VCV000918164.9), dbSNP rs190877071, ClinGen allele CA066995.